The following is an entry in ClinVar:

ClinVar aggregate classification (germline): Conflicting classifications of pathogenicity. Review status: criteria provided, conflicting classifications (1 of 4 stars). 5 submissions from 5 submitters: Uncertain significance (1); Likely benign (4). Last evaluated 2025-12-03.

Conditions:
Cardiomyopathy (CMYO). Also called: Cardiomyopathies. Identifiers: Orphanet 167848, MedGen C0878544, MONDO:0004994, HP:0001638. Inheritance: Various modes of inheritance.
Lethal congenital glycogen storage disease of heart. Also called: GLYCOGEN STORAGE DISEASE OF HEART; PHOSPHORYLASE KINASE DEFICIENCY OF HEART. Identifiers: Orphanet 439854, MedGen C1849813, MONDO:0009867, OMIM 261740.
Cardiovascular phenotype. Identifiers: MedGen CN230736.

Allele frequency attached by ClinVar (database versions not stated): ExAC 0.00001; gnomAD exomes 0.00001; TOPMed 0.00002; gnomAD 0.00003 and 0.00005; ESP Exome Variant Server 0.00015.
gnomAD v4.1: 31 of 1,614,082 alleles (0.0019%); highest among the groups gnomAD compares: African/African-American, 0.028%; no homozygotes.

Submissions (5):

Labcorp Genetics (formerly Invitae), Labcorp
Classification: Likely benign for Lethal congenital glycogen storage disease of heart. Last evaluated: 2025-12-03. Review status: criteria provided, single submitter. Criteria: Invitae Variant Classification Sherloc (09022015). Collection method: clinical testing. Allele origin: germline.

GeneDx
Classification: Uncertain significance. Last evaluated: 2025-05-21. Review status: criteria provided, single submitter. Criteria: GeneDx Variant Classification Process June 2021. Collection method: clinical testing. Allele origin: germline. Affected: yes.
Comment: Not observed at significant frequency in large population cohorts (gnomAD); Has not been previously published as pathogenic or benign to our knowledge; In silico analysis suggests this variant may impact gene splicing. In the absence of RNA/functional studies, the actual effect of this sequence change is unknown.

Blueprint Genetics
Classification: Likely benign. Last evaluated: 2024-06-24. Review status: criteria provided, single submitter. Criteria: ACMG Guidelines, 2015. Collection method: clinical testing. Allele origin: germline.

Color Diagnostics, LLC DBA Color Health
Classification: Likely benign for Cardiomyopathy. Last evaluated: 2022-11-06. Review status: criteria provided, single submitter. Criteria: ACMG Guidelines, 2015. Collection method: clinical testing. Allele origin: germline.

Ambry Genetics
Classification: Likely benign for Cardiovascular phenotype. Last evaluated: 2019-07-01. Review status: criteria provided, single submitter. Criteria: Ambry Variant Classification Scheme 2023. Collection method: clinical testing. Allele origin: germline.

NM_016203.4(PRKAG2):c.318C>T (p.Phe106=)

Gene: PRKAG2 (protein kinase AMP-activated non-catalytic subunit gamma 2; minus strand). Cytogenetic location: 7q36.1.
Variant type: single nucleotide variant.
Coding change: c.318C>T on transcript NM_016203.4 (MANE Select); coding-DNA position 318, C replaced by T.
Protein change: p.Phe106=; no amino-acid change (phenylalanine 106 retained).
Molecular consequence: synonymous variant.
Genome position (GRCh38, 1-based): chr7:151,781,300, G>A on the plus strand (C>T on the coding strand, the complement: PRKAG2 is on the minus strand). VCF-style: chr7-151781300-G-A. GRCh37 (hg19) VCF-style: chr7-151478386-G-A.
Other names: c.186C>T, p.Phe62= (NM_001040633.2).
Identifiers: ClinVar variation 1596140 (VCV001596140.12), dbSNP rs373277092, ClinGen allele CA056743.
Genomic context (GRCh38, chr7:151,781,300, plus strand): 5'-GATCCCACTGAAGCTCATGCGTCGAGGGGAGCGTGGCGGGGACTCCTGGTAGGAGAACGG[G>A]AACACGGTTTTGGGAGAGCCGGGGCTGGTCTTGGGCCTCACAGGTGCAGACATGGGGCTG-3'
Protein context (NP_057287.2, residues 96-116): KTSPGSPKTV[Phe106=]PFSYQESPPR